The following is an entry in ClinVar:

NM_001903.5(CTNNA1):c.2172G>A (p.Met724Ile)

Gene: CTNNA1 (catenin alpha 1; plus strand). Cytogenetic location: 5q31.2.
Variant type: single nucleotide variant.
Coding change: c.2172G>A on transcript NM_001903.5 (MANE Select); coding-DNA position 2172, G replaced by A.
Protein change: p.Met724Ile; replaces methionine 724 with isoleucine.
Molecular consequence: missense variant.
Genome position (GRCh38, 1-based): chr5:138,930,634, G>A. VCF-style: chr5-138930634-G-A. GRCh37 (hg19) VCF-style: chr5-138266323-G-A.
Other names: c.2172G>A, p.Met724Ile (NM_001290307.3, NM_001323982.2, NM_001323983.1 and 2 more transcripts); c.1863G>A, p.Met621Ile (NM_001290309.3); c.1803G>A, p.Met601Ile (NM_001290310.3); c.1062G>A, p.Met354Ile (NM_001290312.1, NM_001323987.1, NM_001323988.1 and 17 more transcripts); c.2079G>A, p.Met693Ile (NM_001323986.2); c.969G>A, p.Met323Ile (NM_001324011.1); c.819G>A, p.Met273Ile (NM_001324012.1, NM_001324013.1); c.723G>A, p.Met241Ile (NM_001324006.1, NM_001324007.1, NM_001324008.1 and 2 more transcripts); short protein forms M621I, M693I, M601I, M724I, M241I, M273I, M323I, M354I.
Identifiers: ClinVar variation 2809548 (VCV002809548.3), dbSNP rs2533851349, ClinGen allele CA361133681.

ClinVar aggregate classification (germline): Uncertain significance (1 of 4 stars; one submission).

Submission:

Labcorp Genetics (formerly Invitae), Labcorp
Classification: Uncertain significance. Last evaluated: 2022-10-24. Review status: criteria provided, single submitter. Criteria: Invitae Variant Classification Sherloc (09022015). Collection method: clinical testing. Allele origin: germline.
Comment: This variant has not been reported in the literature in individuals affected with CTNNA1-related conditions. This variant is not present in population databases (gnomAD no frequency). This sequence change replaces methionine, which is neutral and non-polar, with isoleucine, which is neutral and non-polar, at codon 724 of the CTNNA1 protein (p.Met724Ile). Advanced modeling of protein sequence and biophysical properties (such as structural, functional, and spatial information, amino acid conservation, physicochemical variation, residue mobility, and thermodynamic stability) performed at Invitae indicates that this missense variant is not expected to disrupt CTNNA1 protein function. In summary, the available evidence is currently insufficient to determine the role of this variant in disease. Therefore, it has been classified as a Variant of Uncertain Significance.